The following is an entry in ClinVar:

ClinVar aggregate classification (germline): Likely pathogenic (1 of 4 stars; one submission).

Conditions:
Brain small vessel disease 2A, autosomal dominant. Also called: Porencephaly 2. Identifiers: Orphanet 2940, Orphanet 99810, MedGen C3280970, MONDO:0013773, OMIM 614483.

Submission:

MVZ Medizinische Genetik Mainz
Classification: Likely pathogenic for Brain small vessel disease 2A, autosomal dominant. Last evaluated: 2026-09-04. Review status: criteria provided, single submitter. Criteria: UK Practice Guidelines For Variant Classification V4 01 2020. Collection method: clinical testing. Allele origin: germline. Inheritance: Autosomal dominant inheritance. Affected: yes. Observed: 1 variant allele.
Comment: ACMG Criteria: PVS1,PM2_SUP

NM_001846.4(COL4A2):c.3178dup (p.Thr1060fs)

Gene: COL4A2 (collagen type IV alpha 2 chain; plus strand). Cytogenetic location: 13q34.
Variant type: Duplication.
Coding change: c.3178dup on transcript NM_001846.4 (MANE Select); coding-DNA position 3178, one base duplicated (A; older notation c.3178dupA).
Protein change: p.Thr1060fs; shifts the reading frame from threonine 1060.
Molecular consequence: frameshift variant.
Genome position (GRCh38, 1-based): chr13:110,485,807, A duplicated. VCF-style (leftmost placement, unchanged base first): chr13-110485806-T-TA. GRCh37 (hg19) VCF-style: chr13-111138153-T-TA.
Other names: short protein forms T1060fs.
Identifiers: ClinVar variation 5038067 (VCV005038067.1).